The following is an entry in ClinVar:

NC_000017.10:g.(?_29592237)_(29653280_?)del

Genes: EVI2A (ecotropic viral integration site 2A; minus strand), EVI2B (ecotropic viral integration site 2B; minus strand), NF1 (neurofibromin 1; plus strand), OMG (oligodendrocyte myelin glycoprotein; minus strand). Cytogenetic location: 17q11.2.
Variant type: Deletion.
Identifiers: ClinVar variation 1072221 (VCV001072221.3).

ClinVar aggregate classification (germline): Pathogenic (1 of 4 stars; one submission).

Conditions:
Neurofibromatosis, type 1 (NF1). Also called: VON RECKLINGHAUSEN DISEASE; Peripheral type neurofibromatosis; NEUROFIBROMATOSIS, TYPE I, SOMATIC; Neurofibromatosis, type I. Identifiers: Orphanet 636, MedGen C0027831, MONDO:0018975, OMIM 162200. Disease mechanism: loss of function.

Submission:

Labcorp Genetics (formerly Invitae), Labcorp
Classification: Pathogenic for Neurofibromatosis, type 1. Last evaluated: 2020-10-08. Review status: criteria provided, single submitter. Criteria: Invitae Variant Classification Sherloc (09022015). Collection method: clinical testing. Allele origin: germline.
Comment: For these reasons, this variant has been classified as Pathogenic. Loss-of-function variants in NF1 are known to be pathogenic (PMID: 10712197, 23913538). This variant has not been reported in the literature in individuals with NF1-related conditions. This variant is an out-of-frame deletion of the genomic region encompassing exon(s) 35-36 of the NF1 gene. This is expected to create a premature translational stop signal and result in an absent or disrupted protein product.

Literature cited by the submitters: PubMed 10712197; PubMed 23913538.